The following is an entry in ClinVar:

NM_005477.3(HCN4):c.2030C>T (p.Thr677Ile)

Gene: HCN4 (hyperpolarization activated cyclic nucleotide gated potassium channel 4; minus strand). Cytogenetic location: 15q24.1.
Variant type: single nucleotide variant.
Coding change: c.2030C>T on transcript NM_005477.3 (MANE Select); coding-DNA position 2030, C replaced by T.
Protein change: p.Thr677Ile; replaces threonine 677 with isoleucine.
Molecular consequence: missense variant.
Genome position (GRCh38, 1-based): chr15:73,324,202, G>A on the plus strand (C>T on the coding strand, the complement: HCN4 is on the minus strand). VCF-style: chr15-73324202-G-A. GRCh37 (hg19) VCF-style: chr15-73616543-G-A.
Other names: short protein forms T677I.
Identifiers: ClinVar variation 2128781 (VCV002128781.4), dbSNP rs2549069488, ClinGen allele CA393090257.
Genomic context (GRCh38, chr15:73,324,202, plus strand): 5'-GGGTACTCCTCCAGCACCTCATTGAAGTTGTCCACGCTCAGCGAGTAGAGGCGGCAGTAG[G>A]TGTCGGCCCTCACGCTGGCTGTGCGCCGGCCCCGGGTCAGCAGGCAGATCTCTGCCAGAG-3'
Protein context (NP_005468.1, residues 667-687): GRRTASVRAD[Thr677Ile]YCRLYSLSVD

ClinVar aggregate classification (germline): Uncertain significance (1 of 4 stars; one submission).

Conditions:
Brugada syndrome 8 (BRGDA8). Identifiers: Orphanet 130, MedGen C2751083, MONDO:0013148, OMIM 613123.

Submission:

Labcorp Genetics (formerly Invitae), Labcorp
Classification: Uncertain significance for Brugada syndrome 8. Last evaluated: 2025-04-10. Review status: criteria provided, single submitter. Criteria: Invitae Variant Classification Sherloc (09022015). Collection method: clinical testing. Allele origin: germline.
Comment: This sequence change replaces threonine, which is neutral and polar, with isoleucine, which is neutral and non-polar, at codon 677 of the HCN4 protein (p.Thr677Ile). This variant is not present in population databases (gnomAD no frequency). This variant has not been reported in the literature in individuals affected with HCN4-related conditions. ClinVar contains an entry for this variant (Variation ID: 2128781). Invitae Evidence Modeling of protein sequence and biophysical properties (such as structural, functional, and spatial information, amino acid conservation, physicochemical variation, residue mobility, and thermodynamic stability) indicates that this missense variant is expected to disrupt HCN4 protein function with a positive predictive value of 95%. In summary, the available evidence is currently insufficient to determine the role of this variant in disease. Therefore, it has been classified as a Variant of Uncertain Significance.